The following is an entry in ClinVar:

NM_001354761.2(ADD1):c.52G>A (p.Ala18Thr)

Gene: ADD1 (adducin 1; plus strand). Cytogenetic location: 4p16.3.
Variant type: single nucleotide variant.
Coding change: c.52G>A on transcript NM_001354761.2 (MANE Select); coding-DNA position 52, G replaced by A.
Protein change: p.Ala18Thr; replaces alanine 18 with threonine.
Molecular consequence: missense variant.
Genome position (GRCh38, 1-based): chr4:2,875,967, G>A. VCF-style: chr4-2875967-G-A. GRCh37 (hg19) VCF-style: chr4-2877694-G-A.
Other names: c.52G>A, p.Ala18Thr (NM_001119.5, NM_001286645.2, NM_001354754.2 and 9 more transcripts); short protein forms A18T.
Identifiers: ClinVar variation 4880963 (VCV004880963.2).
Genomic context (GRCh38, chr4:2,875,967, plus strand): 5'-GATTGTACAATGAATGGTGATTCTCGTGCTGCGGTGGTGACCTCACCACCCCCGACCACA[G>A]CCCCTCACAAGGAGAGGTACTTCGACCGAGTAGATGAGAACAACCCAGAGTACTTGAGGG-3'
Protein context (NP_001341690.1, residues 8-28): AVVTSPPPTT[Ala18Thr]PHKERYFDRV

ClinVar aggregate classification (germline): Uncertain significance (1 of 4 stars; one submission).

Conditions:
ADD1-related intellectual disability, corpus callosum dysgenesis, and ventriculomegaly.

Submission:

Dasa
Classification: Uncertain significance for ADD1-related intellectual disability, corpus callosum dysgenesis, and ventriculomegaly. Last evaluated: 2025-11-01. Review status: criteria provided, single submitter. Criteria: DASA Assertion Criteria. Collection method: clinical testing. Allele origin: germline.
Comment: NM_001354761.2(ADD1):c.52G>A (p.Ala18Thr) is a missense variant that results in the substitution of alanine with threonine. This variant is absent from population databases. Computational prediction algorithms are consistent with a benign effect. The currently available literature and clinical evidence are not sufficient to establish a definitive association between this variant and the reported condition. Therefore, this variant is classified as a variant of uncertain significance.